The following is an entry in ClinVar:

NM_001281747.2(MLIP):c.2237G>A (p.Ser746Asn)

Gene: MLIP (muscular LMNA interacting protein; plus strand). Cytogenetic location: 6p12.1.
Variant type: single nucleotide variant.
Coding change: c.2237G>A on transcript NM_001281747.2 (MANE Select); coding-DNA position 2237, G replaced by A.
Protein change: p.Ser746Asn; replaces serine 746 with asparagine.
Molecular consequence: missense variant.
Genome position (GRCh38, 1-based): chr6:54,149,075, G>A. VCF-style: chr6-54149075-G-A. GRCh37 (hg19) VCF-style: chr6-54013873-G-A.
Other names: c.2204G>A, p.Ser735Asn (NM_001281746.2); c.632G>A, p.Ser211Asn (NM_138569.3); short protein forms S735N, S746N, S211N.
Identifiers: ClinVar variation 2371560 (VCV002371560.27), dbSNP rs200350443, ClinGen allele CA3861748.

ClinVar aggregate classification (germline): Conflicting classifications of pathogenicity. Review status: criteria provided, conflicting classifications (1 of 4 stars). 2 submissions from 2 submitters: Uncertain significance (1); Likely benign (1). Last evaluated 2024-11-13.

Conditions:
Inborn genetic diseases. Identifiers: MedGen C0950123, MeSH D030342.

Allele frequency attached by ClinVar (database versions not stated): ESP Exome Variant Server 0.00008; TOPMed 0.00008; gnomAD 0.00009; ExAC 0.00010.
gnomAD v4.1: 135 of 1,612,754 alleles (0.0084%); highest among the groups gnomAD compares: Middle Eastern, 0.15%; no homozygotes.

Submissions (2):

Ambry Genetics
Classification: Uncertain significance for Inborn genetic diseases. Last evaluated: 2024-11-13. Review status: criteria provided, single submitter. Criteria: Ambry Variant Classification Scheme 2023. Collection method: clinical testing. Allele origin: germline.

CeGaT Center for Human Genetics Tuebingen
Classification: Likely benign. Last evaluated: 2023-04-01. Review status: criteria provided, single submitter. Criteria: CeGaT Center For Human Genetics Tuebingen Variant Classification Criteria Version 2. Collection method: clinical testing. Allele origin: germline. Affected: yes. Observed: 1 variant allele.
Comment: MLIP: BP4